The following is an entry in ClinVar:

NM_001110556.2(FLNA):c.6192G>C (p.Glu2064Asp)

Gene: FLNA (filamin A; minus strand). Cytogenetic location: Xq28.
Variant type: single nucleotide variant.
Coding change: c.6192G>C on transcript NM_001110556.2 (MANE Select); coding-DNA position 6192, G replaced by C.
Protein change: p.Glu2064Asp; replaces glutamic acid 2064 with aspartic acid.
Molecular consequence: missense variant.
Genome position (GRCh38, 1-based): chrX:154,353,035, C>G on the plus strand (G>C on the coding strand, the complement: FLNA is on the minus strand). VCF-style: chrX-154353035-C-G. GRCh37 (hg19) VCF-style: chrX-153581403-C-G.
Other names: c.6168G>C, p.Glu2056Asp (NM_001456.4); short protein forms E2056D, E2064D.
Identifiers: ClinVar variation 4791862 (VCV004791862.1).

ClinVar aggregate classification (germline): Uncertain significance (1 of 4 stars; one submission).

Conditions:
Heterotopia, periventricular, X-linked dominant (PVNH1). Also called: PERIVENTRICULAR NODULAR HETEROTOPIA 1; X-linked periventricular heterotopia; PERIVENTRICULAR NODULAR HETEROTOPIA 4; HETEROTOPIA, PERIVENTRICULAR, 1. Identifiers: Orphanet 2149, Orphanet 82004, MedGen C1848213, MONDO:0010233, OMIM 300049.
Melnick-Needles syndrome (MNS). Also called: MELNICK-NEEDLES OSTEODYSPLASTY; OSTEODYSPLASTY OF MELNICK AND NEEDLES; Melnick-Needles Syndrome (FLNA-MNS). Identifiers: Orphanet 2484, MedGen C0025237, MONDO:0010650, OMIM 309350.
Frontometaphyseal dysplasia (FMD1). Identifiers: Orphanet 1826, MedGen C0265293, MONDO:0015942.
Oto-palato-digital syndrome, type II (OPD2). Also called: FACIOPALATOOSSEOUS SYNDROME; OPD II SYNDROME; Otopalatodigital Syndrome Type 2 (FLNA-OPD2); Otopalatodigital Syndrome, Type II. Identifiers: Orphanet 669, Orphanet 90652, MedGen C1844696, MONDO:0010571, OMIM 304120.

Submission:

Labcorp Genetics (formerly Invitae), Labcorp
Classification: Uncertain significance for Oto-palato-digital syndrome, type II; Heterotopia, periventricular, X-linked dominant; Frontometaphyseal dysplasia; Melnick-Needles syndrome. Last evaluated: 2025-12-01. Review status: criteria provided, single submitter. Criteria: Invitae Variant Classification Sherloc (09022015). Collection method: clinical testing. Allele origin: germline.
Comment: This sequence change replaces glutamic acid, which is acidic and polar, with aspartic acid, which is acidic and polar, at codon 2056 of the FLNA protein (p.Glu2056Asp). This variant is not present in population databases (gnomAD no frequency). This variant has not been reported in the literature in individuals affected with FLNA-related conditions. Invitae Evidence Modeling of protein sequence and biophysical properties (such as structural, functional, and spatial information, amino acid conservation, physicochemical variation, residue mobility, and thermodynamic stability) indicates that this missense variant is not expected to disrupt FLNA protein function with a negative predictive value of 95%. In summary, the available evidence is currently insufficient to determine the role of this variant in disease. Therefore, it has been classified as a Variant of Uncertain Significance.